The following is an entry in ClinVar:

NM_016734.3(PAX5):c.828C>A (p.Asp276Glu)

Gene: PAX5 (paired box 5; minus strand). Cytogenetic location: 9p13.2.
Variant type: single nucleotide variant.
Coding change: c.828C>A on transcript NM_016734.3 (MANE Select); coding-DNA position 828, C replaced by A.
Protein change: p.Asp276Glu; replaces aspartic acid 276 with glutamic acid.
Molecular consequence: missense variant. On other transcripts: intron variant (2).
Genome position (GRCh38, 1-based): chr9:36,923,437, G>T on the plus strand (C>A on the coding strand, the complement: PAX5 is on the minus strand). VCF-style: chr9-36923437-G-T. GRCh37 (hg19) VCF-style: chr9-36923434-G-T.
Other names: c.828C>A, p.Asp276Glu (NM_001280547.2, NM_001280548.2, NM_001280552.2); c.504C>A, p.Asp168Glu (NM_001280551.2, NM_001280556.2); c.699C>A, p.Asp233Glu (NM_001280553.2, NM_001280554.2); c.630C>A, p.Asp210Glu (NM_001280555.2); c.780+43112C>A (NM_001280550.2, NM_001280549.2); short protein forms D210E, D168E, D233E, D276E.
Identifiers: ClinVar variation 5026309 (VCV005026309.1).

ClinVar aggregate classification (germline): Uncertain significance (1 of 4 stars; one submission).

Conditions:
Inborn genetic diseases. Identifiers: MedGen C0950123, MeSH D030342.

Submission:

Ambry Genetics
Classification: Uncertain significance for Inborn genetic diseases. Last evaluated: 2026-08-03. Review status: criteria provided, single submitter. Criteria: Ambry Variant Classification Scheme 2023. Collection method: clinical testing. Allele origin: germline.
Comment: The p.D276E variant (also known as c.828C>A), located in coding exon 7 of the PAX5 gene, results from a C to A substitution at nucleotide position 828. The aspartic acid at codon 276 is replaced by glutamic acid, an amino acid with highly similar properties. This amino acid position is conserved. In addition, the in silico prediction for this alteration is inconclusive. Based on the available evidence, the clinical significance of this variant remains unclear.